The following is an entry in ClinVar:

ClinVar aggregate classification (germline): Uncertain significance. Review status: criteria provided, multiple submitters, no conflicts (2 of 4 stars). 2 submissions from 2 submitters: Uncertain significance (2). Last evaluated 2025-09-03.

Conditions:
Dyskeratosis congenita. Identifiers: Orphanet 1775, MedGen C0265965, MONDO:0015780.
Dyskeratosis congenita, autosomal dominant 2. Identifiers: MedGen C3151443, MONDO:0013521, OMIM 613989.
Idiopathic Pulmonary Fibrosis. Also called: Idiopathic fibrosing alveolitis, chronic form; idiopathic fibrosing alveolitis. Identifiers: Orphanet 2032, MedGen C1800706, MeSH D054990, MONDO:0800504.

Submissions (2):

Labcorp Genetics (formerly Invitae), Labcorp
Classification: Uncertain significance for Dyskeratosis congenita, autosomal dominant 2; Idiopathic Pulmonary Fibrosis. Last evaluated: 2025-09-03. Review status: criteria provided, single submitter. Criteria: Invitae Variant Classification Sherloc (09022015). Collection method: clinical testing. Allele origin: germline.
Comment: This sequence change replaces valine, which is neutral and non-polar, with phenylalanine, which is neutral and non-polar, at codon 826 of the TERT protein (p.Val826Phe). This variant is not present in population databases (gnomAD no frequency). This missense change has been observed in individual(s) with myelodysplastic syndrome and acute myeloid leukemia (PMID: 34019641). ClinVar contains an entry for this variant (Variation ID: 838619). Invitae Evidence Modeling of protein sequence and biophysical properties (such as structural, functional, and spatial information, amino acid conservation, physicochemical variation, residue mobility, and thermodynamic stability) indicates that this missense variant is expected to disrupt TERT protein function with a positive predictive value of 95%. Experimental studies have shown that this missense change affects TERT function (PMID: 34019641). In summary, the available evidence is currently insufficient to determine the role of this variant in disease. Therefore, it has been classified as a Variant of Uncertain Significance.

Ambry Genetics
Classification: Uncertain significance for Dyskeratosis congenita. Last evaluated: 2015-10-06. Review status: criteria provided, single submitter. Criteria: Ambry Variant Classification Scheme 2023. Collection method: clinical testing. Allele origin: germline.
Comment: The p.V826F variant (also known as c.2476G>T), located in coding exon 9 of the TERT gene, results from a G to T substitution at nucleotide position 2476. The valine at codon 826 is replaced by phenylalanine, an amino acid with highly similar properties. This variant was not reported in population based cohorts in the following databases: Database of Single Nucleotide Polymorphisms (dbSNP), NHLBI Exome Sequencing Project (ESP), and 1000 Genomes Project. In the ESP, this variant was not observed in 6503 samples (13006 alleles) with coverage at this position. This amino acid position is not well conserved on limited sequence alignment. In addition, this alteration is predicted to be tolerated by in silico analysis. Since supporting evidence is limited at this time, the clinical significance of this variant remains unclear.

Literature cited by the submitters: PubMed 34019641 (cited by Labcorp Genetics (formerly Invitae), Labcorp).

NM_198253.3(TERT):c.2476G>T (p.Val826Phe)

Gene: TERT (telomerase reverse transcriptase; minus strand). Cytogenetic location: 5p15.33.
Variant type: single nucleotide variant.
Coding change: c.2476G>T on transcript NM_198253.3 (MANE Select); coding-DNA position 2476, G replaced by T.
Protein change: p.Val826Phe; replaces valine 826 with phenylalanine.
Molecular consequence: missense variant. On other transcripts: non-coding transcript variant (2).
Genome position (GRCh38, 1-based): chr5:1,268,626, C>A on the plus strand (G>T on the coding strand, the complement: TERT is on the minus strand). VCF-style: chr5-1268626-C-A. GRCh37 (hg19) VCF-style: chr5-1268741-C-A.
Other names: c.2476G>T, p.Val826Phe (NM_001193376.3); short protein forms V826F.
Identifiers: ClinVar variation 838619 (VCV000838619.12), dbSNP rs1060503009, ClinGen allele CA359075112.